The following is an entry in ClinVar:

ClinVar aggregate classification (germline): Uncertain significance (1 of 4 stars; one submission).

Submission:

GeneDx
Classification: Uncertain significance. Last evaluated: 2021-04-08. Review status: criteria provided, single submitter. Criteria: GeneDx Variant Classification Process June 2021. Collection method: clinical testing. Allele origin: germline. Affected: yes.
Comment: In silico analysis supports that this missense variant does not alter protein structure/function; Has not been previously published as pathogenic or benign to our knowledge

NM_001308120.2(TOGARAM1):c.4448G>A (p.Gly1483Glu)

Gene: TOGARAM1 (TOG array regulator of axonemal microtubules 1; plus strand). Cytogenetic location: 14q21.2.
Variant type: single nucleotide variant.
Coding change: c.4448G>A on transcript NM_001308120.2 (MANE Select); coding-DNA position 4448, G replaced by A.
Protein change: p.Gly1483Glu; replaces glycine 1483 with glutamic acid.
Molecular consequence: missense variant. On other transcripts: non-coding transcript variant (1).
Genome position (GRCh38, 1-based): chr14:45,054,438, G>A. VCF-style: chr14-45054438-G-A. GRCh37 (hg19) VCF-style: chr14-45523641-G-A.
Other names: c.4289G>A, p.Gly1430Glu (NM_015091.4); short protein forms G1430E, G1483E.
Identifiers: ClinVar variation 1317400 (VCV001317400.2), dbSNP rs141519534, ClinGen allele CA259621026.